The following is an entry in ClinVar:

NM_001099289.3(SH3RF3):c.1993G>C (p.Ala665Pro)

Genes: RANBP2 (RAN binding protein 2; plus strand), SH3RF3 (SH3 domain containing ring finger 3; plus strand). Cytogenetic location: 2q13.
Variant type: single nucleotide variant.
Coding change: c.1993G>C on transcript NM_001099289.3 (MANE Select); coding-DNA position 1993, G replaced by C.
Protein change: p.Ala665Pro; replaces alanine 665 with proline.
Molecular consequence: missense variant.
Genome position (GRCh38, 1-based): chr2:109,449,334, G>C. VCF-style: chr2-109449334-G-C. GRCh37 (hg19) VCF-style: chr2-110065790-G-C.
Other names: short protein forms A665P.
Identifiers: ClinVar variation 4164363 (VCV004164363.1).

ClinVar aggregate classification (germline): Uncertain significance (1 of 4 stars; one submission).

gnomAD v4.1: 8 of 1,604,714 alleles (0.0005%); highest among the groups gnomAD compares: Non-Finnish European, 0.00068%; no homozygotes.

Submission:

Ambry Genetics
Classification: Uncertain significance. Last evaluated: 2025-06-19. Review status: criteria provided, single submitter. Criteria: Ambry Variant Classification Scheme 2023. Collection method: clinical testing. Allele origin: germline.
Comment: The c.1993G>C (p.A665P) alteration is located in exon (coding exon ) of the SH3RF3 gene. This alteration results from a G to C substitution at nucleotide position 1993, causing the alanine (A) at amino acid position 665 to be replaced by a proline (P). Based on insufficient or conflicting evidence, the clinical significance of this alteration remains unclear.